The following is an entry in ClinVar:

NM_152383.5(DIS3L2):c.2011-1G>C

Gene: DIS3L2 (DIS3 like 3'-5' exoribonuclease 2; plus strand). Cytogenetic location: 2q37.1.
Variant type: single nucleotide variant.
Coding change: c.2011-1G>C on transcript NM_152383.5 (MANE Select); the canonical splice acceptor site of the intron before coding-DNA position 2011, G replaced by C.
Molecular consequence: splice acceptor variant. On other transcripts: intron variant (1).
Genome position (GRCh38, 1-based): chr2:232,333,839, G>C. VCF-style: chr2-232333839-G-C. GRCh37 (hg19) VCF-style: chr2-233198549-G-C.
Other names: c.1582-9506G>C (NM_001257281.2).
Identifiers: ClinVar variation 410765 (VCV000410765.7), dbSNP rs1060503037, ClinGen allele CA16610647.

ClinVar aggregate classification (germline): Likely pathogenic (1 of 4 stars; one submission).

Conditions:
Perlman syndrome (PRLMNS). Identifiers: Orphanet 2849, MedGen C0796113, MONDO:0009965, OMIM 267000.

Submission:

Labcorp Genetics (formerly Invitae), Labcorp
Classification: Likely pathogenic for Perlman syndrome. Last evaluated: 2024-10-24. Review status: criteria provided, single submitter. Criteria: Invitae Variant Classification Sherloc (09022015). Collection method: clinical testing. Allele origin: germline.
Comment: This sequence change affects an acceptor splice site in intron 16 of the DIS3L2 gene. It is expected to disrupt RNA splicing. Variants that disrupt the donor or acceptor splice site typically lead to a loss of protein function (PMID: 16199547), and loss-of-function variants in DIS3L2 are known to be pathogenic (PMID: 22306653, 28328139). This variant is not present in population databases (gnomAD no frequency). This variant has not been reported in the literature in individuals affected with DIS3L2-related conditions. ClinVar contains an entry for this variant (Variation ID: 410765). Algorithms developed to predict the effect of sequence changes on RNA splicing suggest that this variant may disrupt the consensus splice site. In summary, the currently available evidence indicates that the variant is pathogenic, but additional data are needed to prove that conclusively. Therefore, this variant has been classified as Likely Pathogenic.

Literature cited by the submitters: PubMed 16199547; PubMed 22306653; PubMed 28328139.